The following is an entry in ClinVar:

NM_003659.3(AGPS):c.-304G>A

Genes: AGPS (alkylglycerone phosphate synthase; plus strand), AGPS-DT (AGPS divergent transcript; minus strand). Cytogenetic location: 2q31.2.
Variant type: single nucleotide variant.
Coding change: c.-304G>A on transcript NM_003659.3; 304 bases upstream of the start codon, G replaced by A.
Genome position (GRCh38, 1-based): chr2:177,392,486, G>A. VCF-style: chr2-177392486-G-A. GRCh37 (hg19) VCF-style: chr2-178257214-G-A.
Identifiers: ClinVar variation 683748 (VCV000683748.4), dbSNP rs3813259, ClinGen allele CA11038828.

ClinVar aggregate classification (germline): Benign. Review status: criteria provided, multiple submitters, no conflicts (2 of 4 stars). 2 submissions from 2 submitters: Benign (2). Last evaluated 2018-06-14.

Allele frequency attached by ClinVar (database versions not stated): TOPMed 0.69543; gnomAD 0.70206 and 0.70128; 1000 Genomes Project 30x 0.68457; 1000 Genomes Project 0.68271.

Submissions (2):

GeneDx
Classification: Benign. Last evaluated: 2018-06-14. Review status: criteria provided, single submitter. Criteria: GeneDx Variant Classification (06012015). Collection method: clinical testing. Allele origin: germline. Affected: yes.
Comment: This variant is considered likely benign or benign based on one or more of the following criteria: it is a conservative change, it occurs at a poorly conserved position in the protein, it is predicted to be benign by multiple in silico algorithms, and/or has population frequency not consistent with disease.

Breakthrough Genomics
Classification: Benign. Review status: criteria provided, single submitter. Criteria: ACMG Guidelines, 2015. Collection method: not provided. Allele origin: germline. Inheritance: Autosomal recessive inheritance. Affected: yes.